The following is an entry in ClinVar:

NM_017999.5(RNF31):c.1867C>T (p.Arg623Cys)

Gene: RNF31 (ring finger protein 31; plus strand). Cytogenetic location: 14q12.
Variant type: single nucleotide variant.
Coding change: c.1867C>T on transcript NM_017999.5 (MANE Select); coding-DNA position 1867, C replaced by T.
Protein change: p.Arg623Cys; replaces arginine 623 with cysteine.
Molecular consequence: missense variant.
Genome position (GRCh38, 1-based): chr14:24,151,614, C>T. VCF-style: chr14-24151614-C-T. GRCh37 (hg19) VCF-style: chr14-24620823-C-T.
Other names: c.1414C>T, p.Arg472Cys (NM_001310332.2); short protein forms R472C, R623C.
Identifiers: ClinVar variation 4702593 (VCV004702593.1).

ClinVar aggregate classification (germline): Uncertain significance (1 of 4 stars; one submission).

gnomAD v4.1: 11 of 1,613,436 alleles (0.00068%); highest among the groups gnomAD compares: African/African-American, 0.004%; no homozygotes.

Submission:

Labcorp Genetics (formerly Invitae), Labcorp
Classification: Uncertain significance. Last evaluated: 2025-08-10. Review status: criteria provided, single submitter. Criteria: Invitae Variant Classification Sherloc (09022015). Collection method: clinical testing. Allele origin: germline.
Comment: This sequence change replaces arginine, which is basic and polar, with cysteine, which is neutral and slightly polar, at codon 623 of the RNF31 protein (p.Arg623Cys). This variant is present in population databases (rs768324482, gnomAD 0.007%). This variant has not been reported in the literature in individuals affected with RNF31-related conditions. An algorithm developed to predict the effect of missense changes on protein structure and function (PolyPhen-2) suggests that this variant is likely to be disruptive. In summary, the available evidence is currently insufficient to determine the role of this variant in disease. Therefore, it has been classified as a Variant of Uncertain Significance.